The following is an entry in ClinVar:

ClinVar aggregate classification (germline): Uncertain significance (1 of 4 stars; one submission).

Submission:

Labcorp Genetics (formerly Invitae), Labcorp
Classification: Uncertain significance. Last evaluated: 2021-08-11. Review status: criteria provided, single submitter. Criteria: Invitae Variant Classification Sherloc (09022015). Collection method: clinical testing. Allele origin: germline.
Comment: This variant has not been reported in the literature in individuals affected with NEFH-related conditions. The frequency data for this variant in the population databases is considered unreliable, as metrics indicate insufficient coverage at this position in the ExAC database. This sequence change replaces leucine with phenylalanine at codon 24 of the NEFH protein (p.Leu24Phe). The leucine residue is highly conserved and there is a small physicochemical difference between leucine and phenylalanine. Advanced modeling of protein sequence and biophysical properties (such as structural, functional, and spatial information, amino acid conservation, physicochemical variation, residue mobility, and thermodynamic stability) performed at Invitae indicates that this missense variant is not expected to disrupt NEFH protein function. In summary, the available evidence is currently insufficient to determine the role of this variant in disease. Therefore, it has been classified as a Variant of Uncertain Significance.

NM_021076.4(NEFH):c.70C>T (p.Leu24Phe)

Gene: NEFH (neurofilament heavy chain; plus strand). Cytogenetic location: 22q12.2.
Variant type: single nucleotide variant.
Coding change: c.70C>T on transcript NM_021076.4 (MANE Select); coding-DNA position 70, C replaced by T.
Protein change: p.Leu24Phe; replaces leucine 24 with phenylalanine.
Molecular consequence: missense variant.
Genome position (GRCh38, 1-based): chr22:29,480,332, C>T. VCF-style: chr22-29480332-C-T. GRCh37 (hg19) VCF-style: chr22-29876321-C-T.
Other names: short protein forms L24F.
Identifiers: ClinVar variation 1492529 (VCV001492529.6), dbSNP rs2146390505, ClinGen allele CA411121150.